The following is an entry in ClinVar:

ClinVar aggregate classification (germline): Uncertain significance (1 of 4 stars; one submission).

Conditions:
Developmental and epileptic encephalopathy, 53. Also called: Epileptic encephalopathy, early infantile, 53. Identifiers: MedGen C4479313, MONDO:0033362, OMIM 617389.
Early-onset Parkinson disease 20. Also called: PARKINSON DISEASE 20, AUTOSOMAL RECESSIVE EARLY-ONSET. Identifiers: Orphanet 391411, MedGen C3809824, MONDO:0014233, OMIM 615530.

Submission:

Labcorp Genetics (formerly Invitae), Labcorp
Classification: Uncertain significance for Developmental and epileptic encephalopathy, 53; Early-onset Parkinson disease 20. Last evaluated: 2022-02-05. Review status: criteria provided, single submitter. Criteria: Invitae Variant Classification Sherloc (09022015). Collection method: clinical testing. Allele origin: germline.
Comment: In summary, the available evidence is currently insufficient to determine the role of this variant in disease. Therefore, it has been classified as a Variant of Uncertain Significance. Algorithms developed to predict the effect of missense changes on protein structure and function are either unavailable or do not agree on the potential impact of this missense change (SIFT: "Deleterious"; PolyPhen-2: "Benign"; Align-GVGD: "Class C25"). This variant has not been reported in the literature in individuals affected with SYNJ1-related conditions. This variant is not present in population databases (gnomAD no frequency). This sequence change replaces valine, which is neutral and non-polar, with leucine, which is neutral and non-polar, at codon 270 of the SYNJ1 protein (p.Val270Leu).

NM_203446.3(SYNJ1):c.691G>T (p.Val231Leu)

Gene: SYNJ1 (synaptojanin 1; minus strand). Cytogenetic location: 21q22.11.
Variant type: single nucleotide variant.
Coding change: c.691G>T on transcript NM_203446.3 (MANE Select); coding-DNA position 691, G replaced by T.
Protein change: p.Val231Leu; replaces valine 231 with leucine.
Molecular consequence: missense variant.
Genome position (GRCh38, 1-based): chr21:32,695,071, C>A on the plus strand (G>T on the coding strand, the complement: SYNJ1 is on the minus strand). VCF-style: chr21-32695071-C-A. GRCh37 (hg19) VCF-style: chr21-34067381-C-A.
Other names: c.691G>T, p.Val231Leu (NM_001160302.2, NM_001160306.2); c.808G>T, p.Val270Leu (NM_003895.4); short protein forms V231L, V270L.
Identifiers: ClinVar variation 1400119 (VCV001400119.8), dbSNP rs2042154653, ClinGen allele CA410098037.